The following is an entry in ClinVar:

ClinVar aggregate classification (germline): Conflicting classifications of pathogenicity. Review status: criteria provided, conflicting classifications (1 of 4 stars). 6 submissions from 6 submitters: Pathogenic (2); Likely pathogenic (2); Uncertain significance (2). Last evaluated 2025-09-08.

Conditions:
Rhabdoid tumor predisposition syndrome 2 (RTPS2). Identifiers: Orphanet 231108, Orphanet 69077, MedGen C2750074, MONDO:0013224, OMIM 613325.
Intellectual disability, autosomal dominant 16 (CSS4). Also called: COFFIN-SIRIS SYNDROME 4. Identifiers: Orphanet 1465, MedGen C3553249, MONDO:0013821, OMIM 614609.

Submissions (6):

Labcorp Genetics (formerly Invitae), Labcorp
Classification: Pathogenic for Rhabdoid tumor predisposition syndrome 2. Last evaluated: 2025-09-08. Review status: criteria provided, single submitter. Criteria: Invitae Variant Classification Sherloc (09022015). Collection method: clinical testing. Allele origin: germline.
Comment: This sequence change replaces alanine, which is neutral and non-polar, with valine, which is neutral and non-polar, at codon 1186 of the SMARCA4 protein (p.Ala1186Val). This variant is not present in population databases (gnomAD no frequency). This missense change has been observed in individual(s) with clinical features of Coffin-Siris syndrome (PMID: 31530938). In at least one individual the variant was observed to be de novo. ClinVar contains an entry for this variant (Variation ID: 657828). Invitae Evidence Modeling of protein sequence and biophysical properties (such as structural, functional, and spatial information, amino acid conservation, physicochemical variation, residue mobility, and thermodynamic stability) indicates that this missense variant is expected to disrupt SMARCA4 protein function with a positive predictive value of 95%. For these reasons, this variant has been classified as Pathogenic.

GeneDx
Classification: Pathogenic. Last evaluated: 2022-04-29. Review status: criteria provided, single submitter. Criteria: GeneDx Variant Classification Process June 2021. Collection method: clinical testing. Allele origin: germline. Affected: yes.
Comment: Not observed in large population cohorts (gnomAD); In silico analysis supports that this missense variant has a deleterious effect on protein structure/function; This variant is associated with the following publications: (PMID: 24658002, 31530938)

Genome-Nilou Lab
Classification: Uncertain significance for Intellectual disability, autosomal dominant 16. Last evaluated: 2021-07-15. Review status: criteria provided, single submitter. Criteria: ACMG Guidelines, 2015. Collection method: clinical testing. Allele origin: germline. Affected: no.

New York Genome Center
Classification: Uncertain significance for Intellectual disability, autosomal dominant 16. Last evaluated: 2020-07-25. Review status: criteria provided, single submitter. Criteria: NYGC Assertion Criteria 2020. Collection method: clinical testing. Allele origin: germline. Inheritance: Autosomal dominant inheritance. Observed: 1 heterozygote. Study: CSER-NYCKidSeq.
Comment: The c.3557C>T (p.Ala1186Val) variant in exon 26 of 36 of SMARCA4 in the conserved helicase c domain has been reported once in an individual (de novo) with a diagnosis of Coffin Siris syndrome [PMID: 31530938]. This variant is not present in gnomAD, suggesting it is not a common benign variant in the populations represented in this database. In silico predictors suggest this variant is Damaging (Provean score:-3.4; SIFT score:0.001). Given the current evidences regarding its pathogenicity, the c.3557C>T (p.Ala1186Val) variant identified in the SMARCA4 gene is reported as a Variant of Uncertain Significance.

Institute of Human Genetics Munich, TUM University Hospital
Classification: Likely pathogenic for Intellectual disability, autosomal dominant 16. Last evaluated: 2019-05-07. Review status: criteria provided, single submitter. Criteria: Classification criteria August 2017. Collection method: clinical testing. Allele origin: de novo. Inheritance: Autosomal dominant inheritance. Affected: yes. Observed: 1 heterozygote.

Illumina Laboratory Services, Illumina
Classification: Likely pathogenic for Intellectual disability, autosomal dominant 16. Last evaluated: 2018-12-13. Review status: criteria provided, single submitter. Criteria: ICSLVariantClassificationCriteria RUGD 01 April 2020. Collection method: clinical testing. Allele origin: unknown.
Comment: The SMARCA4 c.3557C>T p.(Ala1186Val) missense variant has not, to our knowledge, been reported in the peer-reviewed literature. This variant is not observed in version 2.1.1 of the Genome Aggregation Database. This variant is located in the SNF2 ATPase domain. Based on the available evidence, the c.3557C>T p.(Ala1186Val) variant is classified as likely pathogenic for Coffin-Siris syndrome.

Literature cited by the submitters: PubMed 31530938 (cited by Labcorp Genetics (formerly Invitae), Labcorp).

NM_003072.5(SMARCA4):c.3557C>T (p.Ala1186Val)

Gene: SMARCA4 (SWI/SNF related BAF chromatin remodeling complex subunit ATPase 4; plus strand). Cytogenetic location: 19p13.2.
Variant type: single nucleotide variant.
Coding change: c.3557C>T on transcript NM_003072.5 (MANE Select); coding-DNA position 3557, C replaced by T.
Protein change: p.Ala1186Val; replaces alanine 1186 with valine.
Molecular consequence: missense variant. On other transcripts: non-coding transcript variant (1).
Genome position (GRCh38, 1-based): chr19:11,033,300, C>T. VCF-style: chr19-11033300-C-T. GRCh37 (hg19) VCF-style: chr19-11143976-C-T.
Other names: c.3557C>T, p.Ala1186Val (NM_001128844.3, NM_001128845.2, NM_001128846.2 and 5 more transcripts); short protein forms A1186V.
Identifiers: ClinVar variation 657828 (VCV000657828.20), dbSNP rs1600388982, ClinGen allele CA404065119.